The following is an entry in ClinVar:

NM_001287.6(CLCN7):c.1490A>G (p.Tyr497Cys)

Gene: CLCN7 (chloride voltage-gated channel 7; minus strand). Cytogenetic location: 16p13.3.
Variant type: single nucleotide variant.
Coding change: c.1490A>G on transcript NM_001287.6 (MANE Select); coding-DNA position 1490, A replaced by G.
Protein change: p.Tyr497Cys; replaces tyrosine 497 with cysteine.
Molecular consequence: missense variant.
Genome position (GRCh38, 1-based): chr16:1,450,624, T>C on the plus strand (A>G on the coding strand, the complement: CLCN7 is on the minus strand). VCF-style: chr16-1450624-T-C. GRCh37 (hg19) VCF-style: chr16-1500625-T-C.
Other names: c.1418A>G, p.Tyr473Cys (NM_001114331.3); c.1490A>G (NM_001287.4); short protein forms Y497C, Y473C.
Identifiers: ClinVar variation 1399983 (VCV001399983.7), dbSNP rs1161547013, ClinGen allele CA394187723.

ClinVar aggregate classification (germline): Uncertain significance. Review status: criteria provided, multiple submitters, no conflicts (2 of 4 stars). 2 submissions from 2 submitters: Uncertain significance (2). Last evaluated 2024-11-04.

Conditions:
Inborn genetic diseases. Identifiers: MedGen C0950123, MeSH D030342.

Allele frequency attached by ClinVar (database versions not stated): gnomAD 0.00001; gnomAD exomes 0.00001.
gnomAD v4.1: 9 of 1,612,320 alleles (0.00056%); highest among the groups gnomAD compares: Non-Finnish European, 0.00059%; no homozygotes.

Submissions (2):

Labcorp Genetics (formerly Invitae), Labcorp
Classification: Uncertain significance. Last evaluated: 2024-11-04. Review status: criteria provided, single submitter. Criteria: Invitae Variant Classification Sherloc (09022015). Collection method: clinical testing. Allele origin: germline.
Comment: This sequence change replaces tyrosine, which is neutral and polar, with cysteine, which is neutral and slightly polar, at codon 497 of the CLCN7 protein (p.Tyr497Cys). The frequency data for this variant in the population databases is considered unreliable, as metrics indicate poor data quality at this position in the gnomAD database. This variant has not been reported in the literature in individuals affected with CLCN7-related conditions. ClinVar contains an entry for this variant (Variation ID: 1399983). Invitae Evidence Modeling of protein sequence and biophysical properties (such as structural, functional, and spatial information, amino acid conservation, physicochemical variation, residue mobility, and thermodynamic stability) indicates that this missense variant is expected to disrupt CLCN7 protein function with a positive predictive value of 95%. In summary, the available evidence is currently insufficient to determine the role of this variant in disease. Therefore, it has been classified as a Variant of Uncertain Significance.

Ambry Genetics
Classification: Uncertain significance for Inborn genetic diseases. Last evaluated: 2024-10-01. Review status: criteria provided, single submitter. Criteria: Ambry Variant Classification Scheme 2023. Collection method: clinical testing. Allele origin: germline.